The following is an entry in ClinVar:

ClinVar aggregate classification (germline): Uncertain significance (1 of 4 stars; one submission).

Conditions:
Long QT syndrome (LQTS). Identifiers: MedGen C0023976, MeSH D008133, MONDO:0002442. Disease mechanism: loss of function. Inheritance: Various modes of inheritance.

Submission:

All of Us Research Program, National Institutes of Health
Classification: Uncertain significance for Long QT syndrome. Last evaluated: 2024-02-22. Review status: criteria provided, single submitter. Criteria: ACMG Guidelines, 2015. Collection method: clinical testing. Allele origin: germline. Inheritance: Autosomal dominant inheritance. Observed: 1 variant allele, 1 heterozygote.
Comment: This missense variant replaces arginine with leucine at codon 519 of the KCNQ1 protein. Computational prediction suggests that this variant may have deleterious impact on protein structure and function (internally defined REVEL score threshold >= 0.7, PMID: 27666373). To our knowledge, functional studies have not been reported for this variant. This variant has not been reported in individuals affected with KCNQ1-related disorders in the literature. This variant has not been identified in the general population by the Genome Aggregation Database (gnomAD). The available evidence is insufficient to determine the role of this variant in disease conclusively. Therefore, this variant is classified as a Variant of Uncertain Significance.

This study involves interpretation of variants in research participants for the purpose of population health screening. Participant phenotype was not available at the time of variant classification. Additional details can be found in publication PMID: 35346344, PMCID: PMC8962531

NM_000218.3(KCNQ1):c.1556G>T (p.Arg519Leu)

Gene: KCNQ1 (potassium voltage-gated channel subfamily Q member 1; plus strand). Cytogenetic location: 11p15.5.
Variant type: single nucleotide variant.
Coding change: c.1556G>T on transcript NM_000218.3 (MANE Select); coding-DNA position 1556, G replaced by T.
Protein change: p.Arg519Leu; replaces arginine 519 with leucine.
Molecular consequence: missense variant.
Genome position (GRCh38, 1-based): chr11:2,768,885, G>T. VCF-style: chr11-2768885-G-T. GRCh37 (hg19) VCF-style: chr11-2790115-G-T.
Other names: c.1460G>T, p.Arg487Leu (NM_001406836.1); c.1286G>T, p.Arg429Leu (NM_001406837.1); c.1016G>T, p.Arg339Leu (NM_001406838.1); c.1175G>T, p.Arg392Leu (NM_181798.2); short protein forms R339L, R392L, R429L, R487L, R519L.
Identifiers: ClinVar variation 3386944 (VCV003386944.1).
Genomic context (GRCh38, chr11:2,768,885, plus strand): 5'-TCTCCTCTCTCCACTGCAGGCTGCGGGAACACCATCGGGCCACCATTAAGGTCATTCGAC[G>T]CATGCAGTACTTTGTGGCCAAGAAGAAATTCCAGGTAAGCCCTGTGCTGAGCCTTCCTGC-3'
Protein context (NP_000209.2, residues 509-529): HHRATIKVIR[Arg519Leu]MQYFVAKKKF